The following is an entry in ClinVar:

NM_198253.3(TERT):c.2806G>C (p.Asp936His)

Gene: TERT (telomerase reverse transcriptase; minus strand). Cytogenetic location: 5p15.33.
Variant type: single nucleotide variant.
Coding change: c.2806G>C on transcript NM_198253.3 (MANE Select); coding-DNA position 2806, G replaced by C.
Protein change: p.Asp936His; replaces aspartic acid 936 with histidine.
Molecular consequence: missense variant. On other transcripts: intron variant (1).
Genome position (GRCh38, 1-based): chr5:1,264,441, C>G on the plus strand (G>C on the coding strand, the complement: TERT is on the minus strand). VCF-style: chr5-1264441-C-G. GRCh37 (hg19) VCF-style: chr5-1264556-C-G.
Other names: c.2806G>C, p.Asp936His (NM_003219.1); c.2654+2023G>C (NM_001193376.3); short protein forms D936H.
Identifiers: ClinVar variation 2928729 (VCV002928729.4), dbSNP rs2478152811, ClinGen allele CA359071545.

ClinVar aggregate classification (germline): Uncertain significance. Review status: criteria provided, multiple submitters, no conflicts (2 of 4 stars). 2 submissions from 2 submitters: Uncertain significance (2). Last evaluated 2025-05-11.

Conditions:
Idiopathic Pulmonary Fibrosis. Also called: Idiopathic fibrosing alveolitis, chronic form; idiopathic fibrosing alveolitis. Identifiers: Orphanet 2032, MedGen C1800706, MeSH D054990, MONDO:0800504.
Dyskeratosis congenita, autosomal dominant 2. Identifiers: MedGen C3151443, MONDO:0013521, OMIM 613989.
Dyskeratosis congenita. Identifiers: Orphanet 1775, MedGen C0265965, MONDO:0015780.

Allele frequency attached by ClinVar (database versions not stated): gnomAD exomes below 0.00001.
gnomAD v4.1: 2 of 1,613,614 alleles (0.00012%); highest among the groups gnomAD compares: Non-Finnish European, 0.00017%; no homozygotes.

Submissions (2):

Ambry Genetics
Classification: Uncertain significance for Dyskeratosis congenita. Last evaluated: 2025-05-11. Review status: criteria provided, single submitter. Criteria: Ambry Variant Classification Scheme 2023. Collection method: clinical testing. Allele origin: germline.
Comment: The p.D936H variant (also known as c.2806G>C), located in coding exon 11 of the TERT gene, results from a G to C substitution at nucleotide position 2806. The aspartic acid at codon 936 is replaced by histidine, an amino acid with similar properties. This amino acid position is conserved. In addition, the in silico prediction for this alteration is inconclusive. Based on the available evidence, the clinical significance of this variant remains unclear.

Labcorp Genetics (formerly Invitae), Labcorp
Classification: Uncertain significance for Dyskeratosis congenita, autosomal dominant 2; Idiopathic Pulmonary Fibrosis. Last evaluated: 2023-02-01. Review status: criteria provided, single submitter. Criteria: Invitae Variant Classification Sherloc (09022015). Collection method: clinical testing. Allele origin: germline.
Comment: This sequence change replaces aspartic acid, which is acidic and polar, with histidine, which is basic and polar, at codon 936 of the TERT protein (p.Asp936His). This variant is not present in population databases (gnomAD no frequency). This variant has not been reported in the literature in individuals affected with TERT-related conditions. Advanced modeling of protein sequence and biophysical properties (such as structural, functional, and spatial information, amino acid conservation, physicochemical variation, residue mobility, and thermodynamic stability) performed at Invitae indicates that this missense variant is expected to disrupt TERT protein function. In summary, the available evidence is currently insufficient to determine the role of this variant in disease. Therefore, it has been classified as a Variant of Uncertain Significance.